The following is an entry in ClinVar:

ClinVar aggregate classification (germline): Likely benign (1 of 4 stars; one submission).

Submission:

GeneDx
Classification: Likely benign. Last evaluated: 2021-02-02. Review status: criteria provided, single submitter. Criteria: GeneDx Variant Classification Process June 2021. Collection method: clinical testing. Allele origin: germline. Affected: yes.
Comment: See Variant Classification Assertion Criteria.

NM_178452.6(DNAAF1):c.1030+113_1030+115del

Gene: DNAAF1 (dynein axonemal assembly factor 1; plus strand). Cytogenetic location: 16q24.1.
Variant type: Deletion.
Coding change: c.1030+113_1030+115del on transcript NM_178452.6 (MANE Select); bases 113 to 115 of the intron after coding-DNA position 1030, 3 bases deleted (TTT; older notation c.1030+113_1030+115delTTT).
Molecular consequence: intron variant.
Genome position (GRCh38, 1-based): chr16:84,166,062-84,166,064, TTT deleted; deleting any 3 consecutive bases within chr16:84,166,038-84,166,064 gives the same sequence; the c. name uses the placement nearest the transcript's 3' end. VCF-style (leftmost placement, unchanged base first): chr16-84166037-ATTT-A. GRCh37 (hg19) VCF-style: chr16-84199643-ATTT-A.
Other names: c.322+65_322+67del (NM_001318756.1).
Identifiers: ClinVar variation 1707180 (VCV001707180.2), dbSNP rs58906103, ClinGen allele CA8202730.